The following is an entry in ClinVar:

NM_052845.4(MMAB):c.519+157C>T

Gene: MMAB (metabolism of cobalamin associated B; minus strand). Cytogenetic location: 12q24.11.
Variant type: single nucleotide variant.
Coding change: c.519+157C>T on transcript NM_052845.4 (MANE Select); 157 bases into the intron after coding-DNA position 519, C replaced by T.
Molecular consequence: intron variant. On other transcripts: non-coding transcript variant (1).
Genome position (GRCh38, 1-based): chr12:109,561,263, G>A on the plus strand (C>T on the coding strand, the complement: MMAB is on the minus strand). VCF-style: chr12-109561263-G-A. GRCh37 (hg19) VCF-style: chr12-109999068-G-A.
Identifiers: ClinVar variation 680637 (VCV000680637.2), dbSNP rs2287180, ClinGen allele CA6778868.

ClinVar aggregate classification (germline): Benign. Review status: criteria provided, multiple submitters, no conflicts (2 of 4 stars). 2 submissions from 2 submitters: Benign (2). Last evaluated 2018-06-19.

Allele frequency attached by ClinVar (database versions not stated): 1000 Genomes Project 0.16134; gnomAD exomes 0.16485 and 0.17270; gnomAD 0.16882 and 0.17065; 1000 Genomes Project 30x 0.16943; TOPMed 0.17632; ExAC 0.21462.
gnomAD v4.1: 272,834 of 1,583,266 alleles (17%); highest among the groups gnomAD compares: Middle Eastern, 19%; 23,975 homozygotes.

Submissions (2):

GeneDx
Classification: Benign. Last evaluated: 2018-06-19. Review status: criteria provided, single submitter. Criteria: GeneDx Variant Classification (06012015). Collection method: clinical testing. Allele origin: germline. Affected: yes.
Comment: This variant is considered likely benign or benign based on one or more of the following criteria: it is a conservative change, it occurs at a poorly conserved position in the protein, it is predicted to be benign by multiple in silico algorithms, and/or has population frequency not consistent with disease.

Breakthrough Genomics
Classification: Benign. Review status: criteria provided, single submitter. Criteria: ACMG Guidelines, 2015. Collection method: not provided. Allele origin: germline. Inheritance: Autosomal recessive inheritance. Affected: yes.